The following is an entry in ClinVar:

NM_138694.4(PKHD1):c.3364+1G>T

Gene: PKHD1 (PKHD1 ciliary IPT domain containing fibrocystin/polyductin; minus strand). Cytogenetic location: 6p12.2.
Variant type: single nucleotide variant.
Coding change: c.3364+1G>T on transcript NM_138694.4 (MANE Select); the canonical splice donor site of the intron after coding-DNA position 3364, G replaced by T.
Molecular consequence: splice donor variant.
Genome position (GRCh38, 1-based): chr6:52,033,029, C>A on the plus strand (G>T on the coding strand, the complement: PKHD1 is on the minus strand). VCF-style: chr6-52033029-C-A. GRCh37 (hg19) VCF-style: chr6-51897827-C-A.
Other names: c.3364+1G>T (NM_138694.3, NM_170724.3).
Identifiers: ClinVar variation 2677862 (VCV002677862.5), dbSNP rs1043412457, ClinGen allele CA138953226.

ClinVar aggregate classification (germline): Likely pathogenic. Review status: criteria provided, multiple submitters, no conflicts (2 of 4 stars). 5 submissions from 5 submitters: Likely pathogenic (5). Last evaluated 2026-01-21.

Conditions:
Polycystic kidney disease 4 (PKD4). Also called: Autosomal Recessive Polycystic Kidney Disease – PKHD1; POLYCYSTIC KIDNEY AND HEPATIC DISEASE 1; POLYCYSTIC KIDNEY DISEASE, INFANTILE, TYPE I; POLYCYSTIC KIDNEY DISEASE 4 WITH OR WITHOUT POLYCYSTIC LIVER DISEASE; PKD3. Identifiers: MedGen C4540575, MONDO:0033004, OMIM 263200.
Autosomal recessive polycystic kidney disease (ARPKD). Also called: AR polycystic kidney disease. Identifiers: Orphanet 731, Orphanet 8378, MedGen C0085548, MeSH D017044, MONDO:0009889.
PKHD1-related disorder. Also called: PKHD1-related condition.

Allele frequency attached by ClinVar (database versions not stated): gnomAD exomes 0.00001.
gnomAD v4.1: 9 of 1,610,892 alleles (0.00056%); highest among the groups gnomAD compares: Non-Finnish European, 0.00076%; no homozygotes.

Submissions (5):

Labcorp Genetics (formerly Invitae), Labcorp
Classification: Likely pathogenic for Autosomal recessive polycystic kidney disease. Last evaluated: 2026-01-21. Review status: criteria provided, single submitter. Criteria: Invitae Variant Classification Sherloc (09022015). Collection method: clinical testing. Allele origin: germline.
Comment: This sequence change affects a donor splice site in intron 29 of the PKHD1 gene. It is expected to disrupt RNA splicing. Variants that disrupt the donor or acceptor splice site typically lead to a loss of protein function (PMID: 16199547), and loss-of-function variants in PKHD1 are known to be pathogenic (PMID: 19940839). This variant is present in population databases (no rsID available, gnomAD 0.002%). This variant has not been reported in the literature in individuals affected with PKHD1-related conditions. ClinVar contains an entry for this variant (Variation ID: 2677862). Algorithms developed to predict the effect of sequence changes on RNA splicing suggest that this variant may disrupt the consensus splice site. In summary, the currently available evidence indicates that the variant is pathogenic, but additional data are needed to prove that conclusively. Therefore, this variant has been classified as Likely Pathogenic.

Natera, Inc.
Classification: Likely pathogenic for Autosomal recessive polycystic kidney disease. Last evaluated: 2025-10-10. Review status: criteria provided, single submitter. Criteria: Natera Variant Classification Schema (03/2026). Collection method: clinical testing. Allele origin: germline.
Comment: The c.3364+1G>T variant in PKHD1 is a canonical splice donor site variant predicted to affect pre-mRNA splicing, which may result in an abnormal transcript and altered protein product. This variant is expected to result in nonsense mediated decay, truncation, or a dysfunctional protein product. This variant is rare in the general population with a frequency below the threshold expected for the associated phenotype(s). Given the available evidence, this variant is classified as Likely Pathogenic.

Myriad Genetics, Inc.
Classification: Likely pathogenic for Polycystic kidney disease 4. Last evaluated: 2025-05-07. Review status: criteria provided, single submitter. Criteria: Myriad Autosomal Dominant, Autosomal Recessive and X-Linked Classification Criteria (2023). Collection method: clinical testing. Allele origin: unknown.
Comment: NM_138694.3(PKHD1):c.3364+1G>T is a variant in a canonical splice site classified as likely pathogenic in the context of autosomal recessive polycystic kidney disease, PKHD1-related. c.3364+1G>T has not been observed in cases with relevant disease. Relevant functional assessments of this variant are not available in the literature. c.3364+1G>T has been observed in referenced population frequency databases. In summary, NM_138694.3(PKHD1):c.3364+1G>T is a variant in a canonical splice site in a gene where loss of function is a known mechanism of disease and is predicted to disrupt protein function. Please note: this variant was assessed in the context of healthy population screening.

Baylor Genetics
Classification: Likely pathogenic for Polycystic kidney disease 4. Last evaluated: 2022-07-17. Review status: criteria provided, single submitter. Criteria: ACMG Guidelines, 2015. Collection method: clinical testing. Allele origin: unknown.

Blueprint Genetics
Classification: Likely pathogenic for PKHD1-related disorders. Last evaluated: 2018-12-13. Review status: criteria provided, single submitter. Criteria: ACMG Guidelines, 2015. Collection method: clinical testing. Allele origin: germline. Affected: yes. Observed: 1 variant allele.

Literature cited by the submitters: PubMed 16199547 (cited by Labcorp Genetics (formerly Invitae), Labcorp); PubMed 19940839 (cited by Labcorp Genetics (formerly Invitae), Labcorp).